The following is an entry in ClinVar:

ClinVar aggregate classification (germline): Likely pathogenic. Review status: criteria provided, single submitter (1 of 4 stars). 2 submissions from 2 submitters: Likely pathogenic (1). 1 of the submissions does not count toward it. Last evaluated 2021-07-10.

Conditions:
Ear malformation. Also called: CUP EAR; Abnormality of the ear. Identifiers: MedGen C0266589, MONDO:0007500, OMIM 128600, HP:0000598.
Autosomal recessive nonsyndromic hearing loss 9. Also called: Deafness, autosomal recessive 9; NEUROSENSORY NONSYNDROMIC RECESSIVE DEAFNESS 9; OTOF-Related Hearing Loss; AUDITORY NEUROPATHY, AUTOSOMAL RECESSIVE, 1, TEMPERATURE-SENSITIVE. Identifiers: Orphanet 90636, MedGen C1832828, MONDO:0010986, OMIM 601071.

Allele frequency attached by ClinVar (database versions not stated): gnomAD exomes below 0.00001; TOPMed 0.00002.
gnomAD v4.1: 1 of 1,613,352 alleles (0.000062%); highest among the groups gnomAD compares: Non-Finnish European, 0.000085%; no homozygotes.

Submissions (2):

Kariminejad - Najmabadi Pathology & Genetics Center
Classification: Likely pathogenic for Ear malformation. Last evaluated: 2021-07-10. Review status: criteria provided, single submitter. Criteria: ACMG Guidelines, 2015. Collection method: clinical testing. Allele origin: germline. Affected: yes.

Diagnosis and Treatment Center of Genetic Hearing Loss, Eye & ENT Hospital of Fudan University
Classification: Likely pathogenic for Autosomal recessive nonsyndromic hearing loss 9. Last evaluated: 2026-02-04. Review status: no assertion criteria provided. Collection method: clinical testing. Allele origin: germline. Inheritance: Autosomal recessive inheritance. Affected: yes. Clinical features observed: hearing loss. Not counted in ClinVar's aggregate classification.
Comment: The c.3570+2T>C splice donor variant in OTOF is predicted to cause abnormal splicing (PVS1_Moderate). It is absent from population databases (PM2_Supporting). It has been identified in two patients: in trans with pathogenic c.1498C>T and c.2214+5G>A (PM3_Strong). The phenotype is consistent with auditory neuropathy (PP4).

NM_194248.3(OTOF):c.3570+2T>C

Gene: OTOF (otoferlin; minus strand). Cytogenetic location: 2p23.3.
Variant type: single nucleotide variant.
Coding change: c.3570+2T>C on transcript NM_194248.3 (MANE Select); the canonical splice donor site of the intron after coding-DNA position 3570, T replaced by C.
Molecular consequence: splice donor variant.
Genome position (GRCh38, 1-based): chr2:26,473,404, A>G on the plus strand (T>C on the coding strand, the complement: OTOF is on the minus strand). VCF-style: chr2-26473404-A-G. GRCh37 (hg19) VCF-style: chr2-26696272-A-G.
Other names: c.3570+2T>C (NM_001287489.2); c.1329+2T>C (NM_194323.3, NM_004802.4); c.1500+2T>C (NM_194322.3).
Identifiers: ClinVar variation 1180825 (VCV001180825.2), dbSNP rs1464318474, ClinGen allele CA346104221.
Genomic context (GRCh38, chr2:26,473,404, plus strand): 5'-GCCGGCTGGCTGAGTGGAGCCACACTGGCCACAGGATGTCCTCCGCCAGGGCCTGCACTC[A>G]CCACTTCAAACCACTTGACGAGGGTGTTGAAGTTGGGGTTCTTCTTATAATTGTGGATCA-3'